The following is an entry in ClinVar:

NM_007327.4(GRIN1):c.696C>T (p.Tyr232=)

Gene: GRIN1 (glutamate ionotropic receptor NMDA type subunit 1; plus strand). Cytogenetic location: 9q34.3.
Variant type: single nucleotide variant.
Coding change: c.696C>T on transcript NM_007327.4 (MANE Select); coding-DNA position 696, C replaced by T.
Protein change: p.Tyr232=; no amino-acid change (tyrosine 232 retained).
Molecular consequence: synonymous variant.
Genome position (GRCh38, 1-based): chr9:137,156,693, C>T. VCF-style: chr9-137156693-C-T. GRCh37 (hg19) VCF-style: chr9-140051145-C-T.
Other names: p.Tyr232=; c.696C>T, p.Tyr232= (NM_000832.7, NM_021569.4); c.759C>T, p.Tyr253= (NM_001185090.2, NM_001185091.2).
Identifiers: ClinVar variation 391919 (VCV000391919.40), dbSNP rs200390848, ClinGen allele CA5360743.

ClinVar aggregate classification (germline): Likely benign. Review status: criteria provided, multiple submitters, no conflicts (2 of 4 stars). 6 submissions from 6 submitters: Likely benign (6). Last evaluated 2026-01-19.

Conditions:
Neurodevelopmental disorder with or without hyperkinetic movements and seizures, autosomal dominant. Also called: Intellectual disability, autosomal dominant 8. Identifiers: MedGen C3280282, MONDO:0013655, OMIM 614254.
Inborn genetic diseases. Identifiers: MedGen C0950123, MeSH D030342.

Allele frequency attached by ClinVar (database versions not stated): TOPMed 0.00005; gnomAD 0.00006 and 0.00007; gnomAD exomes 0.00007; ESP Exome Variant Server 0.00008; ExAC 0.00010.
gnomAD v4.1: 136 of 1,596,844 alleles (0.0085%); highest among the groups gnomAD compares: Non-Finnish European, 0.011%; no homozygotes.

Submissions (6):

Labcorp Genetics (formerly Invitae), Labcorp
Classification: Likely benign for Neurodevelopmental disorder with or without hyperkinetic movements and seizures, autosomal dominant. Last evaluated: 2026-01-19. Review status: criteria provided, single submitter. Criteria: Invitae Variant Classification Sherloc (09022015). Collection method: clinical testing. Allele origin: germline.

CeGaT Center for Human Genetics Tuebingen
Classification: Likely benign. Last evaluated: 2025-11-01. Review status: criteria provided, single submitter. Criteria: CeGaT Center For Human Genetics Tuebingen Variant Classification Criteria Version 2. Collection method: clinical testing. Allele origin: germline. Affected: yes. Observed: 2 variant alleles.
Comment: GRIN1: BP4, BP7

Mayo Clinic Laboratories, Mayo Clinic
Classification: Likely benign. Last evaluated: 2025-03-26. Review status: criteria provided, single submitter. Criteria: ACMG Guidelines, 2015. Collection method: clinical testing. Allele origin: germline. Observed: 1 variant allele.
Comment: BP4, BP7

Blueprint Genetics
Classification: Likely benign. Last evaluated: 2024-03-20. Review status: criteria provided, single submitter. Criteria: ACMG Guidelines, 2015. Collection method: clinical testing. Allele origin: germline.

GeneDx
Classification: Likely benign. Last evaluated: 2019-08-22. Review status: criteria provided, single submitter. Criteria: GeneDx Variant Classification Process June 2021. Collection method: clinical testing. Allele origin: germline. Affected: yes.

Ambry Genetics
Classification: Likely benign for Inborn genetic diseases. Last evaluated: 2019-03-28. Review status: criteria provided, single submitter. Criteria: Ambry Variant Classification Scheme 2023. Collection method: clinical testing. Allele origin: germline.